The following is an entry in ClinVar:

NM_001101.5(ACTB):c.1090G>A (p.Glu364Lys)

Gene: ACTB (actin beta; minus strand). Cytogenetic location: 7p22.1.
Variant type: single nucleotide variant.
Coding change: c.1090G>A on transcript NM_001101.5 (MANE Select); coding-DNA position 1090, G replaced by A.
Protein change: p.Glu364Lys; replaces glutamic acid 364 with lysine.
Molecular consequence: missense variant.
Genome position (GRCh38, 1-based): chr7:5,527,786, C>T on the plus strand (G>A on the coding strand, the complement: ACTB is on the minus strand). VCF-style: chr7-5527786-C-T. GRCh37 (hg19) VCF-style: chr7-5567417-C-T.
Other names: c.1090G>A, p.Glu364Lys (LRG_132t1); short protein forms E364K.
Identifiers: ClinVar variation 218132 (VCV000218132.6), dbSNP rs368352689, ClinGen allele CA347697.
Genomic context (GRCh38, chr7:5,527,786, plus strand): 5'-ACGCAACTAAGTCATAGTCCGCCTAGAAGCATTTGCGGTGGACGATGGAGGGGCCGGACT[C>T]GTCATACTCCTGCTTGCTGATCCACATCTGCTGGAAGGTGGACAGCGAGGCCAGGATGGA-3'
Protein context (NP_001092.1, residues 354-374): QMWISKQEYD[Glu364Lys]SGPSIVHRKC

ClinVar aggregate classification (germline): Conflicting classifications of pathogenicity. Review status: no assertion criteria provided (0 of 4 stars). 3 submissions from 3 submitters: Pathogenic (1); Uncertain significance (1). 1 of the submissions does not count toward it. Last evaluated 1999-07-20.

Conditions:
ACTB-associated syndromic thrombocytopenia (THC8). Also called: THROMBOCYTOPENIA 8, WITH DYSMORPHIC FEATURES AND DEVELOPMENTAL DELAY; THROMBOCYTOPENIA, AUTOSOMAL DOMINANT, 8. Identifiers: Orphanet 674653, MedGen C5882677, MONDO:0100433, OMIM 620475.
Thrombocytopenia. Identifiers: MedGen C0040034, MeSH D013921, MONDO:0002049, HP:0001873.
Baraitser-Winter syndrome 1 (BRWS1). Also called: BARAITSER-WINTER SYNDROME 1, ATYPICAL; PACHYGYRIA, MENTAL RETARDATION, EPILEPSY, AND CHARACTERISTIC FACIES; MENTAL RETARDATION WITH EPILEPSY AND CHARACTERISTIC FACIES; Cerebrofrontofacial syndrome. Identifiers: Orphanet 2649, Orphanet 2995, MedGen C1855722, MONDO:0009470, OMIM 243310.

Submissions (3):

OMIM
Classification: Pathogenic for THROMBOCYTOPENIA 8, WITH DYSMORPHIC FEATURES AND DEVELOPMENTAL DELAY. Last evaluated: 1999-07-20. Review status: no assertion criteria provided. Collection method: literature only. Allele origin: germline.

GeneReviews
No classification provided. Condition: Baraitser-Winter syndrome 1. Review status: no classification provided. Collection method: literature only. Allele origin: germline. Affected: yes. Not counted in ClinVar's aggregate classification.

ISTH-SSC Genomics in Thrombosis and Hemostasis, KU Leuven, Center for Molecular and Vascular Biology
Classification: Uncertain significance for Thrombocytopenia. Review status: no assertion criteria provided. Collection method: research. Allele origin: unknown. Inheritance: Autosomal dominant inheritance. Affected: yes. Observed: 1 heterozygote.

Literature cited by the submitters: PubMed 10411937 (cited by OMIM and GeneReviews); PubMed 30315159 (cited by OMIM); PubMed 25255767 (cited by OMIM); NCBI Bookshelf NBK327153 (cited by GeneReviews).